The following is an entry in ClinVar:

NM_031935.3(HMCN1):c.4207G>A (p.Glu1403Lys)

Gene: HMCN1 (hemicentin 1; plus strand). Cytogenetic location: 1q31.1.
Variant type: single nucleotide variant.
Coding change: c.4207G>A on transcript NM_031935.3 (MANE Select); coding-DNA position 4207, G replaced by A.
Protein change: p.Glu1403Lys; replaces glutamic acid 1403 with lysine.
Molecular consequence: missense variant.
Genome position (GRCh38, 1-based): chr1:186,001,600, G>A. VCF-style: chr1-186001600-G-A. GRCh37 (hg19) VCF-style: chr1-185970732-G-A.
Other names: c.4207G>A (NM_031935.2); short protein forms E1403K.
Identifiers: ClinVar variation 1980191 (VCV001980191.5), dbSNP rs745610989, ClinGen allele CA1291949.
Genomic context (GRCh38, chr1:186,001,600, plus strand): 5'-ATTATGCATTTTTATTAGGATTGGAAATAACACTGACCATTTTGGCCCTTAAAGGTGACT[G>A]AAAGCAGCACTATTCAGACTGTGAACAATGGGAAGATACTGAAGCTCTTCAGAGCCACTC-3'
Protein context (NP_114141.2, residues 1393-1413): MWYKDNVQVT[Glu1403Lys]SSTIQTVNNG

ClinVar aggregate classification (germline): Uncertain significance. Review status: criteria provided, multiple submitters, no conflicts (2 of 4 stars). 2 submissions from 2 submitters: Uncertain significance (2). Last evaluated 2025-08-22.

Allele frequency attached by ClinVar (database versions not stated): gnomAD exomes 0.00001; TOPMed 0.00001; ExAC 0.00002.
gnomAD v4.1: 9 of 1,613,048 alleles (0.00056%); highest among the groups gnomAD compares: Non-Finnish European, 0.00076%; no homozygotes.

Submissions (2):

Ambry Genetics
Classification: Uncertain significance. Last evaluated: 2025-08-22. Review status: criteria provided, single submitter. Criteria: Ambry Variant Classification Scheme 2023. Collection method: clinical testing. Allele origin: germline.

Labcorp Genetics (formerly Invitae), Labcorp
Classification: Uncertain significance. Last evaluated: 2024-11-05. Review status: criteria provided, single submitter. Criteria: Invitae Variant Classification Sherloc (09022015). Collection method: clinical testing. Allele origin: germline.
Comment: This sequence change replaces glutamic acid, which is acidic and polar, with lysine, which is basic and polar, at codon 1403 of the HMCN1 protein (p.Glu1403Lys). This variant is present in population databases (rs745610989, gnomAD 0.004%). This variant has not been reported in the literature in individuals affected with HMCN1-related conditions. ClinVar contains an entry for this variant (Variation ID: 1980191). An algorithm developed to predict the effect of missense changes on protein structure and function (PolyPhen-2) suggests that this variant is likely to be disruptive. In summary, the available evidence is currently insufficient to determine the role of this variant in disease. Therefore, it has been classified as a Variant of Uncertain Significance.